The following is an entry in ClinVar:

NC_000011.9:g.(?_67374406)_67374523del

Gene: NDUFV1 (NADH:ubiquinone oxidoreductase core subunit V1; plus strand). Cytogenetic location: 11q13.2.
Variant type: Deletion.
Identifiers: ClinVar variation 4688270 (VCV004688270.1).

ClinVar aggregate classification (germline): Pathogenic (1 of 4 stars; one submission).

Conditions:
Leigh syndrome (NULS). Also called: Leigh's syndrome; LEIGH SYNDROME, NUCLEAR; Leigh's necrotizing encephalopathy; Leigh's disease; Leigh Syndrome (mtDNA deletion); Subacute necrotizing encephalopathy. Identifiers: Orphanet 506, MedGen C2931891, MONDO:0009723, OMIM 256000.

Submission:

Women's Health and Genetics/Laboratory Corporation of America, LabCorp
Classification: Pathogenic for Leigh syndrome. Last evaluated: 2025-12-16. Review status: criteria provided, single submitter. Criteria: LabCorp Variant Classification Summary - May 2015. Collection method: clinical testing. Allele origin: germline.
Comment: Variant summary: The variant involves the deletion of a part of exon 1 in the NDUFV1 gene. A presumed nomenclature of c.(?_-70)_48del has been designated for the purposes of this classification. The exact breakpoint at the 5' end of this variant is unknown, therefore this deletion may extend upstream of the annotated region of this gene. Although the exact breakpoints of this deletion are not known, it is predicted to remove the initiation codon and result in an absence of protein or a truncation of the encoded protein due to translation initiation at a downstream site. Loss-of-function variants in this gene are known to be pathogenic. The variant was absent in 120588 control chromosomes in the gnomAD database (Structural Variants v4.1 dataset). To our knowledge, no occurrence of c.(?_-70)_48del in individuals affected with NDUFV1-related conditions and no experimental evidence demonstrating its impact on protein function have been reported. ClinVar contains an entry for this variant (Variation ID: 3244773). Based on the evidence outlined above, the variant was classified as pathogenic.